The following is an entry in ClinVar:

ClinVar aggregate classification (germline): Uncertain significance (1 of 4 stars; one submission).

Allele frequency attached by ClinVar (database versions not stated): gnomAD exomes 0.00001.

Submission:

Ambry Genetics
Classification: Uncertain significance. Last evaluated: 2021-07-16. Review status: criteria provided, single submitter. Criteria: Ambry Variant Classification Scheme 2023. Collection method: clinical testing. Allele origin: germline.
Comment: The p.R3989Q variant (also known as c.11966G>A), located in coding exon 84 of the PRKDC gene, results from a G to A substitution at nucleotide position 11966. The arginine at codon 3989 is replaced by glutamine, an amino acid with highly similar properties. This amino acid position is conserved. Since supporting evidence is limited at this time, the clinical significance of this alteration remains unclear.

NM_006904.7(PRKDC):c.11966G>A (p.Arg3989Gln)

Gene: PRKDC (protein kinase, DNA-activated, catalytic subunit; minus strand). Cytogenetic location: 8q11.21.
Variant type: single nucleotide variant.
Coding change: c.11966G>A on transcript NM_006904.7 (MANE Select); coding-DNA position 11966, G replaced by A.
Protein change: p.Arg3989Gln; replaces arginine 3989 with glutamine.
Molecular consequence: missense variant.
Genome position (GRCh38, 1-based): chr8:47,777,762, C>T on the plus strand (G>A on the coding strand, the complement: PRKDC is on the minus strand). VCF-style: chr8-47777762-C-T. GRCh37 (hg19) VCF-style: chr8-48690323-C-T.
Other names: c.11873G>A, p.Arg3958Gln (NM_001081640.2); short protein forms R3989Q, R3958Q.
Identifiers: ClinVar variation 1745965 (VCV001745965.2), dbSNP rs2086630492, ClinGen allele CA371128166.